The following is an entry in ClinVar:

ClinVar aggregate classification (germline): Uncertain significance. Review status: criteria provided, multiple submitters, no conflicts (2 of 4 stars). 3 submissions from 3 submitters: Uncertain significance (2). 1 of the submissions does not count toward it. Last evaluated 2025-06-09.

Conditions:
Autosomal dominant Robinow syndrome 1. Also called: ROBINOW DWARFISM; Covesdem syndrome (formerly); Costovertebral segmentation defect with mesomelia (formerly); WNT5A-Related Robinow Syndrome, Autosomal Dominant; ACRAL DYSOSTOSIS WITH FACIAL AND GENITAL ABNORMALITIES; FETAL FACE SYNDROME. Identifiers: Orphanet 3107, Orphanet 97360, MedGen C4551475, MONDO:0024455, OMIM 180700.

Submissions (3):

Labcorp Genetics (formerly Invitae), Labcorp
Classification: Uncertain significance. Last evaluated: 2025-06-09. Review status: criteria provided, single submitter. Criteria: Invitae Variant Classification Sherloc (09022015). Collection method: clinical testing. Allele origin: germline.
Comment: This sequence change replaces cysteine, which is neutral and slightly polar, with phenylalanine, which is neutral and non-polar, at codon 154 of the WNT5A protein (p.Cys154Phe). This variant is not present in population databases (gnomAD no frequency). This missense change has been observed in individual(s) with Robinow syndrome (PMID: 35047859; internal data). It has also been observed to segregate with disease in related individuals. ClinVar contains an entry for this variant (Variation ID: 981472). Invitae Evidence Modeling of protein sequence and biophysical properties (such as structural, functional, and spatial information, amino acid conservation, physicochemical variation, residue mobility, and thermodynamic stability) indicates that this missense variant is expected to disrupt WNT5A protein function with a positive predictive value of 80%. This variant disrupts the p.Cys154 amino acid residue in WNT5A. Other variant(s) that disrupt this residue have been observed in individuals with WNT5A-related conditions (internal data), which suggests that this may be a clinically significant amino acid residue. In summary, the available evidence is currently insufficient to determine the role of this variant in disease. Therefore, it has been classified as a Variant of Uncertain Significance.

Baylor Genetics
Classification: Uncertain significance for Autosomal dominant Robinow syndrome 1. Last evaluated: 2018-01-24. Review status: criteria provided, single submitter. Criteria: ACMG Guidelines, 2015. Collection method: clinical testing. Allele origin: unknown. Affected: yes.
Comment: This variant was determined to be of uncertain significance according to ACMG Guidelines, 2015 [PMID:25741868].

Lupski Lab, Baylor-Hopkins CMG, Baylor College of Medicine
Classification: Likely pathogenic for Autosomal dominant Robinow syndrome 1. Last evaluated: 2018-08-24. Review status: no assertion criteria provided. Collection method: research. Allele origin: inherited. Affected: yes. Observed: 2 variant alleles. Not counted in ClinVar's aggregate classification.

Literature cited by the submitters: PubMed 35047859 (cited by Labcorp Genetics (formerly Invitae), Labcorp).

NM_003392.7(WNT5A):c.461G>T (p.Cys154Phe)

Gene: WNT5A (Wnt family member 5A; minus strand). Cytogenetic location: 3p14.3.
Variant type: single nucleotide variant.
Coding change: c.461G>T on transcript NM_003392.7 (MANE Select); coding-DNA position 461, G replaced by T.
Protein change: p.Cys154Phe; replaces cysteine 154 with phenylalanine.
Molecular consequence: missense variant.
Genome position (GRCh38, 1-based): chr3:55,474,560, C>A on the plus strand (G>T on the coding strand, the complement: WNT5A is on the minus strand). VCF-style: chr3-55474560-C-A. GRCh37 (hg19) VCF-style: chr3-55508588-C-A.
Other names: c.416G>T, p.Cys139Phe (NM_001256105.1, NM_001377271.1, NM_001377272.1); short protein forms C139F, C154F.
Identifiers: ClinVar variation 981472 (VCV000981472.3), dbSNP rs2051315439, ClinGen allele CA353275635.